The following is an entry in ClinVar:

NM_002858.4(ABCD3):c.955A>C (p.Ile319Leu)

Gene: ABCD3 (ATP binding cassette subfamily D member 3; plus strand). Cytogenetic location: 1p21.3.
Variant type: single nucleotide variant.
Coding change: c.955A>C on transcript NM_002858.4 (MANE Select); coding-DNA position 955, A replaced by C.
Protein change: p.Ile319Leu; replaces isoleucine 319 with leucine.
Molecular consequence: missense variant.
Genome position (GRCh38, 1-based): chr1:94,487,599, A>C. VCF-style: chr1-94487599-A-C. GRCh37 (hg19) VCF-style: chr1-94953155-A-C.
Other names: short protein forms I319L.
Identifiers: ClinVar variation 4770185 (VCV004770185.1).

ClinVar aggregate classification (germline): Uncertain significance (1 of 4 stars; one submission).

gnomAD v4.1: 4 of 1,613,498 alleles (0.00025%); highest among the groups gnomAD compares: African/African-American, 0.0053%; no homozygotes.

Submission:

Labcorp Genetics (formerly Invitae), Labcorp
Classification: Uncertain significance. Last evaluated: 2025-06-06. Review status: criteria provided, single submitter. Criteria: Invitae Variant Classification Sherloc (09022015). Collection method: clinical testing. Allele origin: germline.
Comment: This sequence change replaces isoleucine, which is neutral and non-polar, with leucine, which is neutral and non-polar, at codon 319 of the ABCD3 protein (p.Ile319Leu). This variant is present in population databases (rs773962577, gnomAD 0.02%). This variant has not been reported in the literature in individuals affected with ABCD3-related conditions. An algorithm developed to predict the effect of missense changes on protein structure and function (PolyPhen-2) suggests that this variant is likely to be tolerated. In summary, the available evidence is currently insufficient to determine the role of this variant in disease. Therefore, it has been classified as a Variant of Uncertain Significance.